The following is an entry in ClinVar:

NM_004369.4(COL6A3):c.6966+85_6966+86insT

Gene: COL6A3 (collagen type VI alpha 3 chain; minus strand). Cytogenetic location: 2q37.3.
Variant type: Insertion.
Coding change: c.6966+85_6966+86insT on transcript NM_004369.4 (MANE Select); bases 85 to 86 of the intron after coding-DNA position 6966, T inserted.
Molecular consequence: intron variant.
Genome position: GRCh38 VCF-style: chr2-237348263-G-GA. GRCh37 (hg19) VCF-style: chr2-238256906-G-GA.
Other names: c.5145+85_5145+86insT (NM_057166.5); c.6348+85_6348+86insT (NM_057167.4).
Identifiers: ClinVar variation 677538 (VCV000677538.1), dbSNP rs150614375, ClinGen allele CA67844049.

ClinVar aggregate classification (germline): Benign (1 of 4 stars; one submission).

Allele frequency attached by ClinVar (database versions not stated): gnomAD exomes 0.02253; gnomAD 0.05538 and 0.05773; 1000 Genomes Project 0.06170; 1000 Genomes Project 30x 0.06683.

Submission:

GeneDx
Classification: Benign. Last evaluated: 2018-06-16. Review status: criteria provided, single submitter. Criteria: GeneDx Variant Classification (06012015). Collection method: clinical testing. Allele origin: germline. Affected: yes.
Comment: This variant is considered likely benign or benign based on one or more of the following criteria: it is a conservative change, it occurs at a poorly conserved position in the protein, it is predicted to be benign by multiple in silico algorithms, and/or has population frequency not consistent with disease.